The following is an entry in ClinVar:

ClinVar aggregate classification (germline): Uncertain significance. Review status: criteria provided, multiple submitters, no conflicts (2 of 4 stars). 2 submissions from 2 submitters: Uncertain significance (2). Last evaluated 2025-04-28.

Conditions:
Inborn genetic diseases. Identifiers: MedGen C0950123, MeSH D030342.

gnomAD v4.1: 1 of 1,612,594 alleles (0.000062%); highest among the groups gnomAD compares: Non-Finnish European, 0.000085%; no homozygotes.

Submissions (2):

GeneDx
Classification: Uncertain significance. Last evaluated: 2025-04-28. Review status: criteria provided, single submitter. Criteria: GeneDx Variant Classification Process June 2021. Collection method: clinical testing. Allele origin: germline. Affected: yes.
Comment: Not observed at significant frequency in large population cohorts (gnomAD); In silico analysis indicates that this missense variant does not alter protein structure/function; Has not been previously published as pathogenic or benign to our knowledge

Ambry Genetics
Classification: Uncertain significance for Inborn genetic diseases. Last evaluated: 2024-12-09. Review status: criteria provided, single submitter. Criteria: Ambry Variant Classification Scheme 2023. Collection method: clinical testing. Allele origin: germline.
Comment: The p.A328S variant (also known as c.982G>T), located in coding exon 11 of the RTEL1 gene, results from a G to T substitution at nucleotide position 982. The alanine at codon 328 is replaced by serine, an amino acid with similar properties. This amino acid position is conserved. In addition, the in silico prediction for this alteration is inconclusive. Based on the available evidence, the clinical significance of this variant remains unclear.

NM_001283009.2(RTEL1):c.982G>T (p.Ala328Ser)

Genes: RTEL1 (regulator of telomere elongation helicase 1; plus strand), RTEL1-TNFRSF6B (RTEL1-TNFRSF6B readthrough (NMD candidate); plus strand). Cytogenetic location: 20q13.33.
Variant type: single nucleotide variant.
Coding change: c.982G>T on transcript NM_001283009.2 (MANE Select); coding-DNA position 982, G replaced by T.
Protein change: p.Ala328Ser; replaces alanine 328 with serine.
Molecular consequence: missense variant. On other transcripts: non-coding transcript variant (1).
Genome position (GRCh38, 1-based): chr20:63,678,291, G>T. VCF-style: chr20-63678291-G-T. GRCh37 (hg19) VCF-style: chr20-62309644-G-T.
Other names: c.313G>T, p.Ala105Ser (NM_001283010.1); c.982G>T, p.Ala328Ser (NM_016434.4); c.1054G>T, p.Ala352Ser (NM_032957.5); c.1054G>T (NM_032957.4); short protein forms A352S, A105S, A328S.
Identifiers: ClinVar variation 3436054 (VCV003436054.2).